The following is an entry in ClinVar:

ClinVar aggregate classification (germline): Pathogenic (1 of 4 stars; one submission).

Conditions:
XPO1-associated Neurodevelopmental Disorder.

Submission:

Genome Diagnostics Laboratory, University Medical Center Utrecht
Classification: Pathogenic for XPO1-associated Neurodevelopmental Disorder. Last evaluated: 2025-07-21. Review status: criteria provided, single submitter. Criteria: ACMG Guidelines, 2015. Collection method: research. Allele origin: germline. Affected: yes.
Comment: ACMG/AMP (Richards et al, 2015): PS2, PM2, PP2, PP3

NM_003400.4(XPO1):c.1949A>C (p.Gln650Pro)

Gene: XPO1 (exportin 1; minus strand). Cytogenetic location: 2p15.
Variant type: single nucleotide variant.
Coding change: c.1949A>C on transcript NM_003400.4 (MANE Select); coding-DNA position 1949, A replaced by C.
Protein change: p.Gln650Pro; replaces glutamine 650 with proline.
Molecular consequence: missense variant. On other transcripts: intron variant (1).
Genome position (GRCh38, 1-based): chr2:61,490,715, T>G on the plus strand (A>C on the coding strand, the complement: XPO1 is on the minus strand). VCF-style: chr2-61490715-T-G. GRCh37 (hg19) VCF-style: chr2-61717850-T-G.
Other names: c.1887+1320A>C (NM_001410799.1); short protein forms Q650P.
Identifiers: ClinVar variation 4073402 (VCV004073402.1).